The following is an entry in ClinVar:

NM_002633.3(PGM1):c.1585A>T (p.Asn529Tyr)

Gene: PGM1 (phosphoglucomutase 1; plus strand). Cytogenetic location: 1p31.3.
Variant type: single nucleotide variant.
Coding change: c.1585A>T on transcript NM_002633.3 (MANE Select); coding-DNA position 1585, A replaced by T.
Protein change: p.Asn529Tyr; replaces asparagine 529 with tyrosine.
Molecular consequence: missense variant.
Genome position (GRCh38, 1-based): chr1:63,654,452, A>T. VCF-style: chr1-63654452-A-T. GRCh37 (hg19) VCF-style: chr1-64120123-A-T.
Other names: c.1639A>T, p.Asn547Tyr (NM_001172818.1); c.994A>T, p.Asn332Tyr (NM_001172819.2); short protein forms N529Y, N332Y, N547Y.
Identifiers: ClinVar variation 2064815 (VCV002064815.4), dbSNP rs750869853, ClinGen allele CA889904.

ClinVar aggregate classification (germline): Uncertain significance (1 of 4 stars; one submission).

Conditions:
PGM1-congenital disorder of glycosylation. Also called: Congenital disorder of glycosylation type 1t; CDG It; PHOSPHOGLUCOMUTASE 1 DEFICIENCY; PGM1 DEFICIENCY; GLYCOGEN STORAGE DISEASE XIV; GSD XIV. Identifiers: Orphanet 319646, MedGen C2752015, MONDO:0013968, OMIM 614921.

Allele frequency attached by ClinVar (database versions not stated): gnomAD exomes below 0.00001; ExAC 0.00001.
gnomAD v4.1: 1 of 1,614,030 alleles (0.000062%); highest among the groups gnomAD compares: Non-Finnish European, 0.000085%; no homozygotes.

Submission:

Labcorp Genetics (formerly Invitae), Labcorp
Classification: Uncertain significance for PGM1-congenital disorder of glycosylation. Last evaluated: 2021-12-29. Review status: criteria provided, single submitter. Criteria: Invitae Variant Classification Sherloc (09022015). Collection method: clinical testing. Allele origin: germline.
Comment: In summary, the available evidence is currently insufficient to determine the role of this variant in disease. Therefore, it has been classified as a Variant of Uncertain Significance. Algorithms developed to predict the effect of missense changes on protein structure and function output the following: SIFT: "Tolerated"; PolyPhen-2: "Benign"; Align-GVGD: "Class C0". The tyrosine amino acid residue is found in multiple mammalian species, which suggests that this missense change does not adversely affect protein function. This variant has not been reported in the literature in individuals affected with PGM1-related conditions. This variant is present in population databases (rs750869853, gnomAD 0.0009%). This sequence change replaces asparagine, which is neutral and polar, with tyrosine, which is neutral and polar, at codon 529 of the PGM1 protein (p.Asn529Tyr).